The following is an entry in ClinVar:

NM_016284.5(CNOT1):c.1046A>G (p.Asn349Ser)

Gene: CNOT1 (CCR4-NOT transcription complex subunit 1; minus strand). Cytogenetic location: 16q21.
Variant type: single nucleotide variant.
Coding change: c.1046A>G on transcript NM_016284.5 (MANE Select); coding-DNA position 1046, A replaced by G.
Protein change: p.Asn349Ser; replaces asparagine 349 with serine.
Molecular consequence: missense variant. On other transcripts: non-coding transcript variant (1).
Genome position (GRCh38, 1-based): chr16:58,581,514, T>C on the plus strand (A>G on the coding strand, the complement: CNOT1 is on the minus strand). VCF-style: chr16-58581514-T-C. GRCh37 (hg19) VCF-style: chr16-58615418-T-C.
Other names: c.1046A>G (NM_016284.3); c.1046A>G, p.Asn349Ser (NM_001265612.2, NM_206999.3); short protein forms N349S.
Identifiers: ClinVar variation 1961970 (VCV001961970.8), dbSNP rs556362419, ClinGen allele CA281683918.
Genomic context (GRCh38, chr16:58,581,514, plus strand): 5'-CGAATTTGAAATCCAGGATGGTCCAGTTCATAAGTTACTTCCTTGAAATTCAAACTTGGA[T>C]TCTAAAAAAGACCAAAGCAGTTTAAAATGTAATGAATGTGTGTATATTTTGATACATTAT-3'
Protein context (NP_057368.3, residues 339-359): EVLIDVLKEL[Asn349Ser]PSLNFKEVTY

ClinVar aggregate classification (germline): Uncertain significance. Review status: criteria provided, multiple submitters, no conflicts (2 of 4 stars). 3 submissions from 3 submitters: Uncertain significance (3). Last evaluated 2026-02-19.

Conditions:
Inborn genetic diseases. Identifiers: MedGen C0950123, MeSH D030342.

Allele frequency attached by ClinVar (database versions not stated): TOPMed below 0.00001; gnomAD 0.00001; 1000 Genomes Project 0.00020; gnomAD exomes 0.00001; 1000 Genomes Project 30x 0.00016.
gnomAD v4.1: 9 of 1,610,394 alleles (0.00056%); highest among the groups gnomAD compares: Admixed American, 0.014%; no homozygotes.

Submissions (3):

Dasa
Classification: Uncertain significance. Last evaluated: 2026-02-19. Review status: criteria provided, single submitter. Criteria: DASA Assertion Criteria. Collection method: clinical testing. Allele origin: germline.
Comment: NM_016284.5(CNOT1):c.1046A>G (p.Asn349Ser) is a missense variant that results in the substitution of asparagine with serine. This variant is rare in population databases. Computational prediction algorithms are consistent with a benign effect. The currently available literature and clinical evidence are not sufficient to establish a definitive association between this variant and the reported condition. Therefore, this variant is classified as a variant of uncertain significance.

Ambry Genetics
Classification: Uncertain significance for Inborn genetic diseases. Last evaluated: 2025-10-23. Review status: criteria provided, single submitter. Criteria: Ambry Variant Classification Scheme 2023. Collection method: clinical testing. Allele origin: germline.

Labcorp Genetics (formerly Invitae), Labcorp
Classification: Uncertain significance. Last evaluated: 2025-04-13. Review status: criteria provided, single submitter. Criteria: Invitae Variant Classification Sherloc (09022015). Collection method: clinical testing. Allele origin: germline.
Comment: This sequence change replaces asparagine, which is neutral and polar, with serine, which is neutral and polar, at codon 349 of the CNOT1 protein (p.Asn349Ser). This variant is present in population databases (rs556362419, gnomAD 0.003%). This variant has not been reported in the literature in individuals affected with CNOT1-related conditions. ClinVar contains an entry for this variant (Variation ID: 1961970). An algorithm developed to predict the effect of missense changes on protein structure and function (PolyPhen-2) suggests that this variant is likely to be tolerated. In summary, the available evidence is currently insufficient to determine the role of this variant in disease. Therefore, it has been classified as a Variant of Uncertain Significance.